The following is an entry in ClinVar:

NM_000059.4(BRCA2):c.115G>T (p.Ala39Ser)

Gene: BRCA2 (BRCA2 DNA repair associated; plus strand). Cytogenetic location: 13q13.1.
Variant type: single nucleotide variant.
Coding change: c.115G>T on transcript NM_000059.4 (MANE Select); coding-DNA position 115, G replaced by T.
Protein change: p.Ala39Ser; replaces alanine 39 with serine.
Molecular consequence: missense variant. On other transcripts: 5 prime UTR variant (1), non-coding transcript variant (1).
Genome position (GRCh38, 1-based): chr13:32,319,124, G>T. VCF-style: chr13-32319124-G-T. GRCh37 (hg19) VCF-style: chr13-32893261-G-T.
Other names: c.115G>T, p.Ala39Ser (NM_001406719.1, NM_001406720.1, NM_001406721.1 and 1 more transcripts); c.-255G>T (NM_001406722.1); short protein forms A39S.
Identifiers: ClinVar variation 3572340 (VCV003572340.1).
Genomic context (GRCh38, chr13:32,319,124, plus strand): 5'-TTTTTTTAAATAGATTTAGGACCAATAAGTCTTAATTGGTTTGAAGAACTTTCTTCAGAA[G>T]CTCCACCCTATAATTCTGAACCTGCAGAAGAATCTGAACATAAAAACAACAATTACGAAC-3'
Protein context (NP_000050.3, residues 29-49): LNWFEELSSE[Ala39Ser]PPYNSEPAEE

ClinVar aggregate classification (germline): Uncertain significance (1 of 4 stars; one submission).

Submission:

Quest Diagnostics Nichols Institute San Juan Capistrano
Classification: Uncertain significance. Last evaluated: 2024-07-02. Review status: criteria provided, single submitter. Criteria: Quest Diagnostics criteria. Collection method: clinical testing. Allele origin: unknown.
Comment: The BRCA2 c.115G>T (p.Ala39Ser) variant has not been reported in individuals with BRCA2-related conditions in the published literature. It also has not been reported in large, multi-ethnic general populations (Genome Aggregation Database). Analysis of this variant using bioinformatics tools for the prediction of the effect of amino acid changes on protein structure and function yielded conflicting predictions that this variant is benign or damaging. Based on the available information, we are unable to determine the clinical significance of this variant.